The following is an entry in ClinVar:

NM_005477.3(HCN4):c.3426T>G (p.Tyr1142Ter)

Gene: HCN4 (hyperpolarization activated cyclic nucleotide gated potassium channel 4; minus strand). Cytogenetic location: 15q24.1.
Variant type: single nucleotide variant.
Coding change: c.3426T>G on transcript NM_005477.3 (MANE Select); coding-DNA position 3426, T replaced by G.
Protein change: p.Tyr1142Ter; replaces tyrosine 1142 with a stop codon.
Molecular consequence: nonsense.
Genome position (GRCh38, 1-based): chr15:73,322,667, A>C on the plus strand (T>G on the coding strand, the complement: HCN4 is on the minus strand). VCF-style: chr15-73322667-A-C. GRCh37 (hg19) VCF-style: chr15-73615008-A-C.
Other names: short protein forms Y1142*.
Identifiers: ClinVar variation 2812443 (VCV002812443.3), dbSNP rs2549067866, ClinGen allele CA393085352.
Genomic context (GRCh38, chr15:73,322,667, plus strand): 5'-TGGCAAAGAACCTGAGGATGTCTTCCGAGGCAGAGTGACGTGCTGGCCGGGGATGGCACC[A>C]TAGGGCCTCCCAGGGGGACCGAGGCCCCCGCTGCTCCCACTGCCCCCGCTGCCACCCCCA-3'

ClinVar aggregate classification (germline): Uncertain significance (1 of 4 stars; one submission).

Conditions:
Brugada syndrome 8 (BRGDA8). Identifiers: Orphanet 130, MedGen C2751083, MONDO:0013148, OMIM 613123.

Submission:

Labcorp Genetics (formerly Invitae), Labcorp
Classification: Uncertain significance for Brugada syndrome 8. Last evaluated: 2022-11-06. Review status: criteria provided, single submitter. Criteria: Invitae Variant Classification Sherloc (09022015). Collection method: clinical testing. Allele origin: germline.
Comment: In summary, the available evidence is currently insufficient to determine the role of this variant in disease. Therefore, it has been classified as a Variant of Uncertain Significance. Experimental studies and prediction algorithms are not available or were not evaluated, and the functional significance of this variant is currently unknown. This variant has not been reported in the literature in individuals affected with HCN4-related conditions. This variant is not present in population databases (gnomAD no frequency). This sequence change creates a premature translational stop signal (p.Tyr1142*) in the HCN4 gene. While this is not anticipated to result in nonsense mediated decay, it is expected to disrupt the last 62 amino acid(s) of the HCN4 protein.